The following is an entry in ClinVar:

ClinVar aggregate classification (germline): Benign/Likely benign. Review status: criteria provided, multiple submitters, no conflicts (2 of 4 stars). 10 submissions from 10 submitters: Benign (1); Likely benign (8). 1 of the submissions does not count toward it. Last evaluated 2025-11-25.

Conditions:
ACTC1-related disorder. Also called: ACTC1-related condition.
Atrial septal defect 5 (ASD5). Identifiers: Orphanet 1478, MedGen C2748552, MONDO:0013011, OMIM 612794.
Hypertrophic cardiomyopathy 11. Also called: ACTC1-Related Familial Hypertrophic Cardiomyopathy. Identifiers: MedGen C2677506, MONDO:0012799, OMIM 612098.
Dilated cardiomyopathy 1R (CMD1R). Identifiers: Orphanet 154, Orphanet 54260, MedGen C3150681, MONDO:0013261, OMIM 613424.
Cardiovascular phenotype. Identifiers: MedGen CN230736.
Cardiomyopathy (CMYO). Also called: Cardiomyopathies. Identifiers: Orphanet 167848, MedGen C0878544, MONDO:0004994, HP:0001638. Inheritance: Various modes of inheritance.
Hypertrophic cardiomyopathy. Also called: HYPERTROPHIC MYOCARDIOPATHY. Identifiers: Orphanet 217569, MedGen C0007194, MeSH D002312, MONDO:0005045, HP:0001639.

Allele frequency attached by ClinVar (database versions not stated): gnomAD exomes 0.00002; ExAC 0.00004; ESP Exome Variant Server 0.00008; gnomAD 0.00011 and 0.00012; TOPMed 0.00017.
gnomAD v4.1: 50 of 1,613,960 alleles (0.0031%); highest among the groups gnomAD compares: African/African-American, 0.036%; no homozygotes.

Submissions (10):

Labcorp Genetics (formerly Invitae), Labcorp
Classification: Likely benign for Dilated cardiomyopathy 1R; Hypertrophic cardiomyopathy 11; Atrial septal defect 5. Last evaluated: 2025-11-25. Review status: criteria provided, single submitter. Criteria: Invitae Variant Classification Sherloc (09022015). Collection method: clinical testing. Allele origin: germline.

All of Us Research Program, National Institutes of Health
Classification: Likely benign for Hypertrophic cardiomyopathy. Last evaluated: 2023-12-18. Review status: criteria provided, single submitter. Criteria: ACMG Guidelines, 2015. Collection method: clinical testing. Allele origin: germline. Inheritance: Autosomal dominant inheritance. Observed: 10 variant alleles, 10 heterozygotes.
Comment: This study involves interpretation of variants in research participants for the purpose of population health screening. Participant phenotype was not available at the time of variant classification. Additional details can be found in publication PMID: 35346344, PMCID: PMC8962531

Blueprint Genetics
Classification: Likely benign. Last evaluated: 2022-06-25. Review status: criteria provided, single submitter. Criteria: ACMG Guidelines, 2015. Collection method: clinical testing. Allele origin: germline.

Color Diagnostics, LLC DBA Color Health
Classification: Likely benign for Cardiomyopathy. Last evaluated: 2019-02-16. Review status: criteria provided, single submitter. Criteria: ACMG Guidelines, 2015. Collection method: clinical testing. Allele origin: germline.

Ambry Genetics
Classification: Likely benign for Cardiovascular phenotype. Last evaluated: 2018-12-26. Review status: criteria provided, single submitter. Criteria: Ambry Variant Classification Scheme 2023. Collection method: clinical testing. Allele origin: germline.

Women's Health and Genetics/Laboratory Corporation of America, LabCorp
Classification: Benign. Last evaluated: 2018-07-09. Review status: criteria provided, single submitter. Criteria: LabCorp Variant Classification Summary - May 2015. Collection method: clinical testing. Allele origin: germline.
Comment: Variant summary: ACTC1 c.1092C>T alters a non-conserved nucleotide resulting in a synonymous change. 5/5 computational tools predict no significant impact on normal splicing. However, these predictions have yet to be confirmed by functional studies. The observed variant frequency within African control individuals in the gnomAD database is approximately 17-fold of the estimated maximal expected allele frequency for a pathogenic variant in ACTC1 causing Cardiomyopathy phenotype (2.5e-05), strongly suggesting that the variant is a benign polymorphism found primarily in populations of African origin. The variant, c.1092C>T, has been reported in the literature in individuals affected with Cardiomyopathy but also in controls and were classified as 'polymorphisms' (Tesson_2000, Takai_1999). These report(s) do not provide unequivocal conclusions about association of the variant with Cardiomyopathy. To our knowledge, no experimental evidence demonstrating an impact on protein function has been reported. Two clinical diagnostic laboratories have submitted clinical-significance assessments for this variant to ClinVar after 2014 without evidence for independent evaluation. All laboratories classified the variant as likely benign. Based on the evidence outlined above, the variant was classified as benign.

GeneDx
Classification: Likely benign. Last evaluated: 2016-08-05. Review status: criteria provided, single submitter. Criteria: GeneDx Variant Classification (06012015). Collection method: clinical testing. Allele origin: germline. Affected: yes.
Comment: This variant is considered likely benign or benign based on one or more of the following criteria: it is a conservative change, it occurs at a poorly conserved position in the protein, it is predicted to be benign by multiple in silico algorithms, and/or has population frequency not consistent with disease.

Laboratory for Molecular Medicine, Mass General Brigham Personalized Medicine
Classification: Likely benign. Last evaluated: 2015-07-02. Review status: criteria provided, single submitter. Criteria: LMM Criteria. Collection method: clinical testing. Allele origin: germline. Observed: 2 variant alleles.
Comment: p.Tyr364Tyr in exon 7 of ACTC1: This variant is not expected to have clinical si gnificance because it does not alter an amino acid residue and is not located wi thin the splice consensus sequence. It has been identified in 3/10406 of African chromosomes by the Exome Aggregation Consortium (ExAC; dbSNP rs140261885).

Breakthrough Genomics
Classification: Likely benign. Review status: criteria provided, single submitter. Criteria: ACMG Guidelines, 2015. Collection method: not provided. Allele origin: germline. Inheritance: Autosomal dominant inheritance. Affected: yes.

PreventionGenetics, part of Exact Sciences
Classification: Likely benign for ACTC1-related condition. Last evaluated: 2019-05-02. Review status: no assertion criteria provided. Collection method: clinical testing. Allele origin: germline. Not counted in ClinVar's aggregate classification.
Comment: This variant is classified as likely benign based on ACMG/AMP sequence variant interpretation guidelines (Richards et al. 2015 PMID: 25741868, with internal and published modifications).

Literature cited by the submitters: PubMed 10494087 (cited by Women's Health and Genetics/Laboratory Corporation of America, LabCorp); PubMed 11052860 (cited by Women's Health and Genetics/Laboratory Corporation of America, LabCorp).

NM_005159.5(ACTC1):c.1092C>T (p.Tyr364=)

Genes: ACTC1 (actin alpha cardiac muscle 1; minus strand), GJD2-DT (GJD2 divergent transcript; plus strand). Cytogenetic location: 15q14.
Variant type: single nucleotide variant.
Coding change: c.1092C>T on transcript NM_005159.5 (MANE Select); coding-DNA position 1092, C replaced by T.
Protein change: p.Tyr364=; no amino-acid change (tyrosine 364 retained).
Molecular consequence: synonymous variant.
Genome position (GRCh38, 1-based): chr15:34,790,454, G>A on the plus strand (C>T on the coding strand, the complement: ACTC1 is on the minus strand). VCF-style: chr15-34790454-G-A. GRCh37 (hg19) VCF-style: chr15-35082655-G-A.
Identifiers: ClinVar variation 45171 (VCV000045171.24), dbSNP rs140261885, ClinGen allele CA019638.